The following is an entry in ClinVar:

ClinVar aggregate classification (germline): Uncertain significance (1 of 4 stars; one submission).

Submission:

Labcorp Genetics (formerly Invitae), Labcorp
Classification: Uncertain significance. Last evaluated: 2022-12-13. Review status: criteria provided, single submitter. Criteria: Invitae Variant Classification Sherloc (09022015). Collection method: clinical testing. Allele origin: unknown.
Comment: In summary, the available evidence is currently insufficient to determine the role of this variant in disease. Therefore, it has been classified as a Variant of Uncertain Significance. This variant has not been reported in the literature in individuals affected with NFATC1-related conditions. This variant results in a copy number gain of the genomic region encompassing exon(s) 9 of the NFATC1 gene. While the exact position of this variant cannot be determined from the data, sub-genic copy number gains are generally in tandem (PMID: 25640679). This variant is predicted to be out-of-frame, and may result in an absent or disrupted protein product. However, the current clinical and genetic evidence is not sufficient to establish whether loss-of-function variants in NFATC1 cause disease.

Literature cited by the submitters: PubMed 25640679.

NC_000018.9:g.(?_77246228)_(77246650_?)dup

Gene: NFATC1 (nuclear factor of activated T cells 1; plus strand). Cytogenetic location: 18q23.
Variant type: Duplication.
Identifiers: ClinVar variation 3242800 (VCV003242800.1).